The following is an entry in ClinVar:

ClinVar aggregate classification (germline): Uncertain significance (1 of 4 stars; one submission).

Allele frequency attached by ClinVar (database versions not stated): gnomAD exomes below 0.00001.
gnomAD v4.1: 2 of 1,614,066 alleles (0.00012%); highest among the groups gnomAD compares: Admixed American, 0.0033%; no homozygotes.

Submission:

Labcorp Genetics (formerly Invitae), Labcorp
Classification: Uncertain significance. Last evaluated: 2022-10-03. Review status: criteria provided, single submitter. Criteria: Invitae Variant Classification Sherloc (09022015). Collection method: clinical testing. Allele origin: germline.
Comment: This sequence change replaces glutamic acid, which is acidic and polar, with glycine, which is neutral and non-polar, at codon 2800 of the VCAN protein (p.Glu2800Gly). This variant is not present in population databases (gnomAD no frequency). Algorithms developed to predict the effect of missense changes on protein structure and function output the following: SIFT: "Tolerated"; PolyPhen-2: "Benign"; Align-GVGD: "Class C0". The glycine amino acid residue is found in multiple mammalian species, which suggests that this missense change does not adversely affect protein function. In summary, the available evidence is currently insufficient to determine the role of this variant in disease. Therefore, it has been classified as a Variant of Uncertain Significance. This variant has not been reported in the literature in individuals affected with VCAN-related conditions. ClinVar contains an entry for this variant (Variation ID: 1505839).

NM_004385.5(VCAN):c.8399A>G (p.Glu2800Gly)

Genes: VCAN (versican; plus strand), VCAN-AS1 (VCAN antisense RNA 1; minus strand). Cytogenetic location: 5q14.3.
Variant type: single nucleotide variant.
Coding change: c.8399A>G on transcript NM_004385.5 (MANE Select); coding-DNA position 8399, A replaced by G.
Protein change: p.Glu2800Gly; replaces glutamic acid 2800 with glycine.
Molecular consequence: missense variant. On other transcripts: intron variant (2).
Genome position (GRCh38, 1-based): chr5:83,541,402, A>G. VCF-style: chr5-83541402-A-G. GRCh37 (hg19) VCF-style: chr5-82837221-A-G.
Other names: c.5438A>G, p.Glu1813Gly (NM_001164097.2); c.4004-4135A>G (NM_001164098.2); c.1043-4135A>G (NM_001126336.3); short protein forms E1813G, E2800G.
Identifiers: ClinVar variation 1505839 (VCV001505839.6), dbSNP rs1161202535, ClinGen allele CA360316836.
Genomic context (GRCh38, chr5:83,541,402, plus strand): 5'-TAAGTATTGCTACTACCCACCTTATGGATCAGAGTGTAACAGAGGTGCCTGATGTGATGG[A>G]AGGATCCAATCCCCCATATTACACTGATACAACATTAGCAGTTTCAACATTTGCGAAGTT-3'
Protein context (NP_004376.2, residues 2790-2810): QSVTEVPDVM[Glu2800Gly]GSNPPYYTDT